The following is an entry in ClinVar:

ClinVar aggregate classification (germline): Uncertain significance (1 of 4 stars; one submission).

Conditions:
Cohen syndrome (COH1). Also called: Cutis verticis gyrata, retinitis pigmentosa, and sensorineural deafness; PEPPER SYNDROME. Identifiers: Orphanet 193, MedGen C0265223, MONDO:0008999, OMIM 216550.

Allele frequency attached by ClinVar (database versions not stated): gnomAD exomes below 0.00001.
gnomAD v4.1: 1 of 1,613,760 alleles (0.000062%); highest among the groups gnomAD compares: Non-Finnish European, 0.000085%; no homozygotes.

Submission:

Labcorp Genetics (formerly Invitae), Labcorp
Classification: Uncertain significance for Cohen syndrome. Last evaluated: 2023-07-17. Review status: criteria provided, single submitter. Criteria: Invitae Variant Classification Sherloc (09022015). Collection method: clinical testing. Allele origin: germline.
Comment: In summary, the available evidence is currently insufficient to determine the role of this variant in disease. Therefore, it has been classified as a Variant of Uncertain Significance. Advanced modeling of protein sequence and biophysical properties (such as structural, functional, and spatial information, amino acid conservation, physicochemical variation, residue mobility, and thermodynamic stability) performed at Invitae indicates that this missense variant is not expected to disrupt VPS13B protein function. This variant has not been reported in the literature in individuals affected with VPS13B-related conditions. This variant is not present in population databases (gnomAD no frequency). This sequence change replaces isoleucine, which is neutral and non-polar, with methionine, which is neutral and non-polar, at codon 1163 of the VPS13B protein (p.Ile1163Met).

NM_152564.5(VPS13B):c.3489A>G (p.Ile1163Met)

Gene: VPS13B (vacuolar protein sorting 13 homolog B; plus strand). Cytogenetic location: 8q22.2.
Variant type: single nucleotide variant.
Coding change: c.3489A>G on transcript NM_152564.5 (MANE Select); coding-DNA position 3489, A replaced by G.
Protein change: p.Ile1163Met; replaces isoleucine 1163 with methionine.
Molecular consequence: missense variant.
Genome position (GRCh38, 1-based): chr8:99,467,457, A>G. VCF-style: chr8-99467457-A-G. GRCh37 (hg19) VCF-style: chr8-100479685-A-G.
Other names: c.3489A>G, p.Ile1163Met (NM_017890.5); short protein forms I1163M.
Identifiers: ClinVar variation 2744136 (VCV002744136.3), dbSNP rs1819168429, ClinGen allele CA371865998.